The following is an entry in ClinVar:

NM_032122.5(DTNBP1):c.68T>C (p.Leu23Ser)

Gene: DTNBP1 (dystrobrevin binding protein 1; minus strand). Cytogenetic location: 6p22.3.
Variant type: single nucleotide variant.
Coding change: c.68T>C on transcript NM_032122.5 (MANE Select); coding-DNA position 68, T replaced by C.
Protein change: p.Leu23Ser; replaces leucine 23 with serine.
Molecular consequence: missense variant. On other transcripts: 5 prime UTR variant (1), non-coding transcript variant (1), intron variant (1).
Genome position (GRCh38, 1-based): chr6:15,652,129, A>G on the plus strand (T>C on the coding strand, the complement: DTNBP1 is on the minus strand). VCF-style: chr6-15652129-A-G. GRCh37 (hg19) VCF-style: chr6-15652360-A-G.
Other names: c.-221T>C (NM_001271667.2); c.68T>C, p.Leu23Ser (NM_001271668.2, NM_183040.2); c.56+10685T>C (NM_001271669.2); short protein forms L23S.
Identifiers: ClinVar variation 1395876 (VCV001395876.8), dbSNP rs372560190, ClinGen allele CA3644282.

ClinVar aggregate classification (germline): Uncertain significance. Review status: criteria provided, multiple submitters, no conflicts (2 of 4 stars). 2 submissions from 2 submitters: Uncertain significance (2). Last evaluated 2024-12-16.

Allele frequency attached by ClinVar (database versions not stated): gnomAD exomes below 0.00001; TOPMed below 0.00001; ExAC 0.00001; gnomAD 0.00001; ESP Exome Variant Server 0.00008.
gnomAD v4.1: 2 of 1,610,748 alleles (0.00012%); highest among the groups gnomAD compares: African/African-American, 0.0013%; no homozygotes.

Submissions (2):

Labcorp Genetics (formerly Invitae), Labcorp
Classification: Uncertain significance. Last evaluated: 2024-12-16. Review status: criteria provided, single submitter. Criteria: Invitae Variant Classification Sherloc (09022015). Collection method: clinical testing. Allele origin: germline.
Comment: This sequence change replaces leucine, which is neutral and non-polar, with serine, which is neutral and polar, at codon 23 of the DTNBP1 protein (p.Leu23Ser). This variant is present in population databases (rs372560190, gnomAD 0.007%). This variant has not been reported in the literature in individuals affected with DTNBP1-related conditions. ClinVar contains an entry for this variant (Variation ID: 1395876). Invitae Evidence Modeling of protein sequence and biophysical properties (such as structural, functional, and spatial information, amino acid conservation, physicochemical variation, residue mobility, and thermodynamic stability) has been performed for this missense variant. However, the output from this modeling did not meet the statistical confidence thresholds required to predict the impact of this variant on DTNBP1 protein function. In summary, the available evidence is currently insufficient to determine the role of this variant in disease. Therefore, it has been classified as a Variant of Uncertain Significance.

Breakthrough Genomics
Classification: Uncertain significance. Review status: criteria provided, single submitter. Criteria: ACMG Guidelines, 2015. Collection method: not provided. Allele origin: germline. Inheritance: Autosomal recessive inheritance. Affected: yes.